The following is an entry in ClinVar:

ClinVar aggregate classification (germline): Uncertain significance (1 of 4 stars; one submission).

Submission:

CeGaT Center for Human Genetics Tuebingen
Classification: Uncertain significance. Last evaluated: 2026-08-01. Review status: criteria provided, single submitter. Criteria: CeGaT Center For Human Genetics Tuebingen Variant Classification Criteria Version 2. Collection method: clinical testing. Allele origin: germline. Affected: yes. Observed: 1 variant allele.
Comment: POFUT1: PM2, BP4

NM_015352.2(POFUT1):c.236C>T (p.Pro79Leu)

Gene: POFUT1 (protein O-fucosyltransferase 1; plus strand). Cytogenetic location: 20q11.21.
Variant type: single nucleotide variant.
Coding change: c.236C>T on transcript NM_015352.2 (MANE Select); coding-DNA position 236, C replaced by T.
Protein change: p.Pro79Leu; replaces proline 79 with leucine.
Molecular consequence: missense variant.
Genome position (GRCh38, 1-based): chr20:32,210,182, C>T. VCF-style: chr20-32210182-C-T. GRCh37 (hg19) VCF-style: chr20-30797985-C-T.
Other names: c.236C>T, p.Pro79Leu (NM_172236.2); short protein forms P79L.
Identifiers: ClinVar variation 5039339 (VCV005039339.1).